The following is an entry in ClinVar:

ClinVar aggregate classification (germline): Uncertain significance (1 of 4 stars; one submission).

gnomAD v4.1: 4 of 1,599,968 alleles (0.00025%); highest among the groups gnomAD compares: Admixed American, 0.007%; no homozygotes.

Submission:

Labcorp Genetics (formerly Invitae), Labcorp
Classification: Uncertain significance. Last evaluated: 2025-04-11. Review status: criteria provided, single submitter. Criteria: Invitae Variant Classification Sherloc (09022015). Collection method: clinical testing. Allele origin: germline.
Comment: This sequence change replaces alanine, which is neutral and non-polar, with valine, which is neutral and non-polar, at codon 32 of the CCT2 protein (p.Ala32Val). This variant is present in population databases (rs200143097, gnomAD 0.01%). This variant has not been reported in the literature in individuals affected with CCT2-related conditions. ClinVar contains an entry for this variant (Variation ID: 3683666). An algorithm developed to predict the effect of missense changes on protein structure and function (PolyPhen-2) suggests that this variant is likely to be tolerated. In summary, the available evidence is currently insufficient to determine the role of this variant in disease. Therefore, it has been classified as a Variant of Uncertain Significance.

NM_006431.3(CCT2):c.95C>T (p.Ala32Val)

Gene: CCT2 (chaperonin containing TCP1 subunit 2; plus strand). Cytogenetic location: 12q15.
Variant type: single nucleotide variant.
Coding change: c.95C>T on transcript NM_006431.3 (MANE Select); coding-DNA position 95, C replaced by T.
Protein change: p.Ala32Val; replaces alanine 32 with valine.
Molecular consequence: missense variant. On other transcripts: 5 prime UTR variant (1).
Genome position (GRCh38, 1-based): chr12:69,586,769, C>T. VCF-style: chr12-69586769-C-T. GRCh37 (hg19) VCF-style: chr12-69980549-C-T.
Other names: c.-47C>T (NM_001198842.2); short protein forms A32V.
Identifiers: ClinVar variation 3683666 (VCV003683666.2).
Genomic context (GRCh38, chr12:69,586,769, plus strand): 5'-GACTGTAAAGTTGATTCTGATAATCTCCTTGGTTTTTACTCCAGACTTCTTTTATTGGTG[C>T]CATCGCCATTGGAGACTTGGTAAAGAGCACCTTGGGACCCAAAGGCATGGTAAGAAAAAT-3'
Protein context (NP_006422.1, residues 22-42): ETARLTSFIG[Ala32Val]IAIGDLVKST